The following is an entry in ClinVar:

ClinVar aggregate classification (germline): Uncertain significance. Review status: criteria provided, multiple submitters, no conflicts (2 of 4 stars). 3 submissions from 3 submitters: Uncertain significance (3). Last evaluated 2022-07-05.

Conditions:
Adenylosuccinate lyase deficiency (ADSLD). Also called: ADSL DEFICIENCY. Identifiers: Orphanet 46, MedGen C0268126, MONDO:0007068, OMIM 103050.

Allele frequency attached by ClinVar (database versions not stated): gnomAD 0.00001; ExAC 0.00002; gnomAD exomes 0.00003; TOPMed 0.00003.

Submissions (3):

Labcorp Genetics (formerly Invitae), Labcorp
Classification: Uncertain significance for Adenylosuccinate lyase deficiency. Last evaluated: 2022-07-05. Review status: criteria provided, single submitter. Criteria: Invitae Variant Classification Sherloc (09022015). Collection method: clinical testing. Allele origin: germline.
Comment: This sequence change replaces arginine, which is basic and polar, with histidine, which is basic and polar, at codon 329 of the ADSL protein (p.Arg329His). This variant is present in population databases (rs768203123, gnomAD 0.004%). This variant has not been reported in the literature in individuals affected with ADSL-related conditions. ClinVar contains an entry for this variant (Variation ID: 289921). Advanced modeling of protein sequence and biophysical properties (such as structural, functional, and spatial information, amino acid conservation, physicochemical variation, residue mobility, and thermodynamic stability) performed at Invitae indicates that this missense variant is expected to disrupt ADSL protein function. In summary, the available evidence is currently insufficient to determine the role of this variant in disease. Therefore, it has been classified as a Variant of Uncertain Significance.

Eurofins Ntd Llc (ga)
Classification: Uncertain significance. Last evaluated: 2016-08-12. Review status: criteria provided, single submitter. Criteria: EGL Classification Definitions 2015. Collection method: clinical testing. Allele origin: germline. Observed: 1 variant allele, 1 heterozygote.

GeneDx
Classification: Uncertain significance. Last evaluated: 2016-02-25. Review status: criteria provided, single submitter. Criteria: GeneDx Variant Classification (06012015). Collection method: clinical testing. Allele origin: germline. Affected: yes.
Comment: A variant of uncertain significance has been identified in the ADSL gene. The R329H variant has not been published as a pathogenic variant, nor has it been reported as a benign variant to our knowledge. It was not observed in approximately 6,500 individuals of European and African American ancestry in the NHLBI Exome Sequencing Project, indicating it is not a common benign variant in these populations. The R329H variant is a conservative amino acid substitution, which is not likely to impact secondary protein structure as these residues share similar properties. However, this substitution occurs at a position that is conserved across species, and in silico analysis predicts this variant is probably damaging to the protein structure/function. Therefore, based on the currently available information, it is unclear whether this variant is a pathogenic variant or a rare benign variant.

NM_000026.4(ADSL):c.986G>A (p.Arg329His)

Gene: ADSL (adenylosuccinate lyase; plus strand). Cytogenetic location: 22q13.1.
Variant type: single nucleotide variant.
Coding change: c.986G>A on transcript NM_000026.4 (MANE Select); coding-DNA position 986, G replaced by A.
Protein change: p.Arg329His; replaces arginine 329 with histidine.
Molecular consequence: missense variant. On other transcripts: non-coding transcript variant (1).
Genome position (GRCh38, 1-based): chr22:40,361,611, G>A. VCF-style: chr22-40361611-G-A. GRCh37 (hg19) VCF-style: chr22-40757615-G-A.
Other names: c.986G>A, p.Arg329His (NM_001123378.3, NM_001363840.3); c.794G>A, p.Arg265His (NM_001317923.2); short protein forms R329H, R265H.
Identifiers: ClinVar variation 289921 (VCV000289921.12), dbSNP rs768203123, ClinGen allele CA10247872.